The following is an entry in ClinVar:

NM_198334.3(GANAB):c.950A>G (p.Asn317Ser)

Gene: GANAB (glucosidase II alpha subunit; minus strand). Cytogenetic location: 11q12.3.
Variant type: single nucleotide variant.
Coding change: c.950A>G on transcript NM_198334.3 (MANE Select); coding-DNA position 950, A replaced by G.
Protein change: p.Asn317Ser; replaces asparagine 317 with serine.
Molecular consequence: missense variant.
Genome position (GRCh38, 1-based): chr11:62,632,611, T>C on the plus strand (A>G on the coding strand, the complement: GANAB is on the minus strand). VCF-style: chr11-62632611-T-C. GRCh37 (hg19) VCF-style: chr11-62400083-T-C.
Other names: c.674A>G, p.Asn225Ser (NM_001278192.2); c.608A>G, p.Asn203Ser (NM_001278193.2); c.659A>G, p.Asn220Ser (NM_001278194.2, NM_001329222.2, NM_001329223.2); c.227A>G, p.Asn76Ser (NM_001329224.2, NM_001329225.2); c.1016A>G, p.Asn339Ser (NM_198335.4); short protein forms N203S, N220S, N225S, N317S, N339S, N76S.
Identifiers: ClinVar variation 1802035 (VCV001802035.1), dbSNP rs976565776, ClinGen allele CA223048795.

ClinVar aggregate classification (germline): Uncertain significance (1 of 4 stars; one submission).

Allele frequency attached by ClinVar (database versions not stated): gnomAD exomes below 0.00001; TOPMed below 0.00001.

Submission:

GeneDx
Classification: Uncertain significance. Last evaluated: 2022-06-01. Review status: criteria provided, single submitter. Criteria: GeneDx Variant Classification Process June 2021. Collection method: clinical testing. Allele origin: germline. Affected: yes.
Comment: Not observed at significant frequency in large population cohorts (gnomAD); In silico analysis supports that this missense variant has a deleterious effect on protein structure/function; Has not been previously published as pathogenic or benign to our knowledge